The following is an entry in ClinVar:

NM_001349798.2(FBXW7):c.1634A>G (p.Tyr545Cys)

Gene: FBXW7 (F-box and WD repeat domain containing 7; minus strand). Cytogenetic location: 4q31.3.
Variant type: single nucleotide variant.
Coding change: c.1634A>G on transcript NM_001349798.2 (MANE Select); coding-DNA position 1634, A replaced by G.
Protein change: p.Tyr545Cys; replaces tyrosine 545 with cysteine.
Molecular consequence: missense variant.
Genome position (GRCh38, 1-based): chr4:152,326,016, T>C on the plus strand (A>G on the coding strand, the complement: FBXW7 is on the minus strand). VCF-style: chr4-152326016-T-C. GRCh37 (hg19) VCF-style: chr4-153247168-T-C.
Other names: c.1280A>G, p.Tyr427Cys (NM_001013415.2); c.1394A>G, p.Tyr465Cys (NM_018315.5); c.1634A>G, p.Tyr545Cys (NM_033632.3); short protein forms Y427C, Y465C, Y545C.
Identifiers: ClinVar variation 3372888 (VCV003372888.2).

ClinVar aggregate classification (germline): Uncertain significance (1 of 4 stars; one submission).
ClinVar aggregate classification (somatic clinical impact): Tier I - Strong. Review status: criteria provided, single submitter (1 of 4 stars). 2 submissions from 1 submitter. 1 of the submissions does not count toward it. Last evaluated 2023-07-06.

Conditions:
Diffuse pediatric-type high-grade glioma, H3-wildtype and IDH-wildtype. Identifiers: MedGen C5669918, MONDO:0858939.
Embryonal rhabdomyosarcoma (ERMS). Also called: Botryoid rhabdomyosarcoma (type of ERMS); Spindle cell rhabdomyosarcomas (type of ERMS). Identifiers: Orphanet 99757, MedGen C0206656, MONDO:0009993, HP:0006743.

Submissions (3):

Institute for Genomic Medicine (IGM) Clinical Laboratory, Nationwide Children's Hospital
Classification: Tier II - Potential for Diffuse pediatric-type high-grade glioma, H3-wildtype and IDH-wildtype. Assertion type: diagnostic. Clinical significance: supports diagnosis. Last evaluated: 2025-06-23. Review status: criteria provided, single submitter. Criteria: AMP/ASCO/CAP Guidelines, 2017. Collection method: clinical testing. Allele origin: somatic. Affected: yes. Not counted in ClinVar's aggregate classification.
Comment: Variant has Tier II (potential) clinical significance as a diagnostic inclusion criterion in diffuse pediatric-type high-grade glioma, H3-wildtype and IDH-wildtype, based on the following evidence: 1) Documented in one or more cancer databases (e.g., St. Jude Pecan, COSMIC, CIViC, OncoKB). 2) Information in the literature supports potential biologic effect of variant (PMID: 30510140). 3) Assists in diagnosis alone or along with other biomarkers based on small studies or few case reports (Evidence Level D; PMIDs: 28966033, 28481359, 31748746).

GeneDx
Classification: Uncertain significance. Last evaluated: 2024-04-24. Review status: criteria provided, single submitter. Criteria: GeneDx Variant Classification Process June 2021. Collection method: clinical testing. Allele origin: germline. Affected: yes.
Comment: Not observed at significant frequency in large population cohorts (gnomAD); In silico analysis supports that this missense variant has a deleterious effect on protein structure/function; Has not been previously reported as a pathogenic or benign germline variant to our knowledge; This variant is associated with the following publications: (PMID: 30510140, 17909001, 35853873)

Institute for Genomic Medicine (IGM) Clinical Laboratory, Nationwide Children's Hospital
Classification: Tier I - Strong for Embryonal rhabdomyosarcoma. Assertion type: diagnostic. Clinical significance: supports diagnosis. Last evaluated: 2023-07-06. Review status: criteria provided, single submitter. Criteria: AMP/ASCO/CAP Guidelines, 2017. Collection method: clinical testing. Allele origin: somatic. Affected: yes.
Comment: Variant has Tier I (strong) clinical significance as a diagnostic inclusion criterion in embryonal rhabdomyosarcoma, based on the following evidence: 1) Documented in one or more cancer databases (e.g., St. Jude Pecan, COSMIC, CIViC, OncoKB). 2) Appears in one or more well-established professional guidelines (e.g., World Health Organization [WHO]; National Comprehensive Cancer Network [NCCN]) as providing diagnostic, prognostic, or therapeutic information. 3) Information in the literature supports potential biologic effect of variant (PMID: 30510140). 4) Diagnostic for a specific tumor type/classification based on well-powered studies with expert-level consensus (Evidence Level B; PMIDs: 24436047, 34166060, 25768946).

Literature cited by the submitters: PubMed 30510140 (cited by Institute for Genomic Medicine (IGM) Clinical Laboratory, Nationwide Children's Hospital); PubMed 28966033 (cited by Institute for Genomic Medicine (IGM) Clinical Laboratory, Nationwide Children's Hospital); PubMed 28481359 (cited by Institute for Genomic Medicine (IGM) Clinical Laboratory, Nationwide Children's Hospital); PubMed 31748746 (cited by Institute for Genomic Medicine (IGM) Clinical Laboratory, Nationwide Children's Hospital); PubMed 24436047 (cited by Institute for Genomic Medicine (IGM) Clinical Laboratory, Nationwide Children's Hospital); PubMed 34166060 (cited by Institute for Genomic Medicine (IGM) Clinical Laboratory, Nationwide Children's Hospital); PubMed 25768946 (cited by Institute for Genomic Medicine (IGM) Clinical Laboratory, Nationwide Children's Hospital).